The following is an entry in ClinVar:

ClinVar aggregate classification (germline): Pathogenic/Likely pathogenic. Review status: criteria provided, multiple submitters, no conflicts (2 of 4 stars). 4 submissions from 4 submitters: Pathogenic (1); Likely pathogenic (2). 1 of the submissions does not count toward it. Last evaluated 2026-01-22.

Conditions:
Cobalamin C disease. Also called: Methylmalonic aciduria and homocystinuria, Vitamin B12-responsive; Vitamin B12 metabolic defect with combined deficiency of methylmalonyl-CoA mutase and homocysteine:methyltetrahydrofolate methyltransferase; methylmalonic aciduria and homocystinuria type cblC; Methylmalonic aciduria with homocystinuria cblC type; Cobalamin-C methylmalonic acidemia and homocystinuria; Methylmalonic acidemia and homocystinuria cblC type. Identifiers: Orphanet 26, Orphanet 79282, MedGen C1848561, MONDO:0010184, OMIM 277400.

Allele frequency attached by ClinVar (database versions not stated): gnomAD exomes below 0.00001; ExAC 0.00001; gnomAD 0.00001; TOPMed 0.00001.
gnomAD v4.1: 1 of 1,614,036 alleles (0.000062%); highest among the groups gnomAD compares: East Asian, 0.0022%; no homozygotes.

Submissions (4):

Natera, Inc.
Classification: Likely pathogenic for Methylmalonic aciduria and homocystinuria cblC type. Last evaluated: 2026-01-22. Review status: criteria provided, single submitter. Criteria: Natera Variant Classification Schema (03/2026). Collection method: clinical testing. Allele origin: germline.
Comment: The c.349G>C variant in MMACHC is a missense variant predicted to cause substitution of alanine to proline at amino acid 117. This variant is rare in the general population with a frequency below the threshold expected for the associated phenotype(s). This variant has been observed in one or more individuals affected with the associated recessive disease, as either homozygous or compound heterozygous with a second variant (PMID: 29340559, 26287336, 36246604). Additionally, this variant has been observed to segregate in affected family members (PMID: 29340559). Computational prediction algorithms indicate this variant is likely to affect gene or protein function. Given the available evidence, this variant is classified as Likely Pathogenic.

Women's Health and Genetics/Laboratory Corporation of America, LabCorp
Classification: Pathogenic for Cobalamin C disease. Last evaluated: 2025-12-15. Review status: criteria provided, single submitter. Criteria: LabCorp Variant Classification Summary - May 2015. Collection method: clinical testing. Allele origin: germline.
Comment: Variant summary: MMACHC c.349G>C (p.Ala117Pro) results in a non-conservative amino acid change in the encoded protein sequence. Algorithms developed to predict the effect of missense changes on protein structure and function all suggest that this variant is likely to be disruptive. The variant allele was found at a frequency of 4e-06 in 249434 control chromosomes. c.349G>C has been observed in multiple individuals affected with Methylmalonic Acidemia With Homocystinuria (e.g. Yu_2015, Wu_2018, Zhang_2022, Lin_2023). These data indicate that the variant is very likely to be associated with disease. To our knowledge, no experimental evidence demonstrating an impact on protein function has been reported. The following publications have been ascertained in the context of this evaluation (PMID: 36849356, 29340559, 26287336, 36246604). ClinVar contains an entry for this variant (Variation ID: 552478). Based on the evidence outlined above, the variant was classified as pathogenic.

Labcorp Genetics (formerly Invitae), Labcorp
Classification: Likely pathogenic for Cobalamin C disease. Last evaluated: 2022-07-11. Review status: criteria provided, single submitter. Criteria: Invitae Variant Classification Sherloc (09022015). Collection method: clinical testing. Allele origin: germline.
Comment: Advanced modeling of protein sequence and biophysical properties (such as structural, functional, and spatial information, amino acid conservation, physicochemical variation, residue mobility, and thermodynamic stability) performed at Invitae indicates that this missense variant is expected to disrupt MMACHC protein function. ClinVar contains an entry for this variant (Variation ID: 552478). This missense change has been observed in individual(s) with MMACHC-related conditions (PMID: 26287336, 29340559). This variant is present in population databases (rs752205161, gnomAD 0.006%). This sequence change replaces alanine, which is neutral and non-polar, with proline, which is neutral and non-polar, at codon 117 of the MMACHC protein (p.Ala117Pro). In summary, the currently available evidence indicates that the variant is pathogenic, but additional data are needed to prove that conclusively. Therefore, this variant has been classified as Likely Pathogenic.

Counsyl
Classification: Uncertain significance for Cobalamin C disease. Last evaluated: 2017-06-20. Review status: no assertion criteria provided. Collection method: clinical testing. Allele origin: unknown. Not counted in ClinVar's aggregate classification.

Literature cited by the submitters: PubMed 29340559 (cited by 3 submitters); PubMed 26287336 (cited by 4 submitters); PubMed 36246604 (cited by Natera, Inc. and Women's Health and Genetics/Laboratory Corporation of America, LabCorp); PubMed 36849356 (cited by Women's Health and Genetics/Laboratory Corporation of America, LabCorp).

NM_015506.3(MMACHC):c.349G>C (p.Ala117Pro)

Gene: MMACHC (metabolism of cobalamin associated C; plus strand). Cytogenetic location: 1p34.1.
Variant type: single nucleotide variant.
Coding change: c.349G>C on transcript NM_015506.3 (MANE Select); coding-DNA position 349, G replaced by C.
Protein change: p.Ala117Pro; replaces alanine 117 with proline.
Molecular consequence: missense variant.
Genome position (GRCh38, 1-based): chr1:45,508,284, G>C. VCF-style: chr1-45508284-G-C. GRCh37 (hg19) VCF-style: chr1-45973956-G-C.
Other names: c.178G>C, p.Ala60Pro (NM_001330540.2); short protein forms A117P, A60P.
Identifiers: ClinVar variation 552478 (VCV000552478.10), dbSNP rs752205161, ClinGen allele CA827712.